The following is an entry in ClinVar:

NM_001114748.2(TMEM240):c.425G>A (p.Arg142Gln)

Gene: TMEM240 (transmembrane protein 240; minus strand). Cytogenetic location: 1p36.33.
Variant type: single nucleotide variant.
Coding change: c.425G>A on transcript NM_001114748.2 (MANE Select); coding-DNA position 425, G replaced by A.
Protein change: p.Arg142Gln; replaces arginine 142 with glutamine.
Molecular consequence: missense variant.
Genome position (GRCh38, 1-based): chr1:1,535,456, C>T on the plus strand (G>A on the coding strand, the complement: TMEM240 is on the minus strand). VCF-style: chr1-1535456-C-T. GRCh37 (hg19) VCF-style: chr1-1470836-C-T.
Other names: short protein forms R142Q.
Identifiers: ClinVar variation 2515511 (VCV002515511.3), dbSNP rs775856256, ClinGen allele CA526639.

ClinVar aggregate classification (germline): Uncertain significance. Review status: criteria provided, multiple submitters, no conflicts (2 of 4 stars). 2 submissions from 2 submitters: Uncertain significance (2). Last evaluated 2025-05-13.

Conditions:
Inborn genetic diseases. Identifiers: MedGen C0950123, MeSH D030342.

Allele frequency attached by ClinVar (database versions not stated): TOPMed 0.00002; gnomAD 0.00003; gnomAD exomes 0.00003; 1000 Genomes Project 30x 0.00016; ExAC 0.00029.
gnomAD v4.1: 51 of 1,549,188 alleles (0.0033%); highest among the groups gnomAD compares: South Asian, 0.02%; no homozygotes.

Submissions (2):

Labcorp Genetics (formerly Invitae), Labcorp
Classification: Uncertain significance. Last evaluated: 2025-05-13. Review status: criteria provided, single submitter. Criteria: Invitae Variant Classification Sherloc (09022015). Collection method: clinical testing. Allele origin: germline.
Comment: This sequence change replaces arginine, which is basic and polar, with glutamine, which is neutral and polar, at codon 142 of the TMEM240 protein (p.Arg142Gln). This variant is present in population databases (rs775856256, gnomAD 0.03%). This variant has not been reported in the literature in individuals affected with TMEM240-related conditions. ClinVar contains an entry for this variant (Variation ID: 2515511). An algorithm developed to predict the effect of missense changes on protein structure and function (PolyPhen-2) suggests that this variant is likely to be tolerated. In summary, the available evidence is currently insufficient to determine the role of this variant in disease. Therefore, it has been classified as a Variant of Uncertain Significance.

Ambry Genetics
Classification: Uncertain significance for Inborn genetic diseases. Last evaluated: 2023-05-31. Review status: criteria provided, single submitter. Criteria: Ambry Variant Classification Scheme 2023. Collection method: clinical testing. Allele origin: germline.